The following is an entry in ClinVar:

NM_002476.2(MYL4):c.478G>C (p.Ala160Pro)

Gene: MYL4 (myosin light chain 4; plus strand). Cytogenetic location: 17q21.32.
Variant type: single nucleotide variant.
Coding change: c.478G>C on transcript NM_002476.2 (MANE Select); coding-DNA position 478, G replaced by C.
Protein change: p.Ala160Pro; replaces alanine 160 with proline.
Molecular consequence: missense variant.
Genome position (GRCh38, 1-based): chr17:47,221,846, G>C. VCF-style: chr17-47221846-G-C. GRCh37 (hg19) VCF-style: chr17-45299212-G-C.
Other names: c.478G>C, p.Ala160Pro (NM_001002841.2); short protein forms A160P.
Identifiers: ClinVar variation 3641655 (VCV003641655.2).

ClinVar aggregate classification (germline): Uncertain significance (1 of 4 stars; one submission).

Conditions:
Atrial fibrillation, familial, 18 (ATFB18). Identifiers: MedGen C4310636, MONDO:0015001, OMIM 617280.

Submission:

Labcorp Genetics (formerly Invitae), Labcorp
Classification: Uncertain significance for Atrial fibrillation, familial, 18. Last evaluated: 2024-02-17. Review status: criteria provided, single submitter. Criteria: Invitae Variant Classification Sherloc (09022015). Collection method: clinical testing. Allele origin: germline.
Comment: This sequence change replaces alanine, which is neutral and non-polar, with proline, which is neutral and non-polar, at codon 160 of the MYL4 protein (p.Ala160Pro). This variant is not present in population databases (gnomAD no frequency). This variant has not been reported in the literature in individuals affected with MYL4-related conditions. An algorithm developed to predict the effect of missense changes on protein structure and function (PolyPhen-2) suggests that this variant is likely to be disruptive. In summary, the available evidence is currently insufficient to determine the role of this variant in disease. Therefore, it has been classified as a Variant of Uncertain Significance.